The following is an entry in ClinVar:

ClinVar aggregate classification (germline): Uncertain significance (1 of 4 stars; one submission).

gnomAD v4.1: 2 of 1,531,820 alleles (0.00013%); highest among the groups gnomAD compares: Non-Finnish European, 0.00018%; no homozygotes.

Submission:

Ambry Genetics
Classification: Uncertain significance. Last evaluated: 2023-11-06. Review status: criteria provided, single submitter. Criteria: Ambry Variant Classification Scheme 2023. Collection method: clinical testing. Allele origin: germline.
Comment: The p.A84P variant (also known as c.250G>C), located in coding exon 4 of the FAM175A gene, results from a G to C substitution at nucleotide position 250. The alanine at codon 84 is replaced by proline, an amino acid with highly similar properties. This amino acid position is conserved. In addition, this alteration is predicted to be tolerated by in silico analysis. Since supporting evidence is limited at this time, the clinical significance of this alteration remains unclear.

NM_139076.3(ABRAXAS1):c.250G>C (p.Ala84Pro)

Gene: ABRAXAS1 (abraxas 1, BRCA1 A complex subunit; minus strand). Cytogenetic location: 4q21.23.
Variant type: single nucleotide variant.
Coding change: c.250G>C on transcript NM_139076.3 (MANE Select); coding-DNA position 250, G replaced by C.
Protein change: p.Ala84Pro; replaces alanine 84 with proline.
Molecular consequence: missense variant. On other transcripts: intron variant (1).
Genome position (GRCh38, 1-based): chr4:83,472,254, C>G on the plus strand (G>C on the coding strand, the complement: ABRAXAS1 is on the minus strand). VCF-style: chr4-83472254-C-G. GRCh37 (hg19) VCF-style: chr4-84393407-C-G.
Other names: c.-45-1858G>C (NM_001345962.2); short protein forms A84P.
Identifiers: ClinVar variation 3229147 (VCV003229147.1), dbSNP rs1404975428, ClinGen allele CA357261087.